The following is an entry in ClinVar:

ClinVar aggregate classification (germline): Likely pathogenic (1 of 4 stars; one submission).

Submission:

Labcorp Genetics (formerly Invitae), Labcorp
Classification: Likely pathogenic. Last evaluated: 2024-01-22. Review status: criteria provided, single submitter. Criteria: Invitae Variant Classification Sherloc (09022015). Collection method: clinical testing. Allele origin: germline.
Comment: This variant results in the deletion of part of exon 13 (c.1224-325_1253delinsA) of the TBCD gene. It is expected to disrupt RNA splicing. Variants that disrupt the donor or acceptor splice site typically lead to a loss of protein function (PMID: 16199547), and loss-of-function variants in TBCD are known to be pathogenic (PMID: 27666370, 27666374). This variant is not present in population databases (gnomAD no frequency). This variant has not been reported in the literature in individuals affected with TBCD-related conditions. Algorithms developed to predict the effect of sequence changes on RNA splicing suggest that this variant may disrupt the consensus splice site. In summary, the currently available evidence indicates that the variant is pathogenic, but additional data are needed to prove that conclusively. Therefore, this variant has been classified as Likely Pathogenic.

Literature cited by the submitters: PubMed 16199547; PubMed 27666370; PubMed 27666374.

NM_005993.5(TBCD):c.1224-325_1253delinsA

Gene: TBCD (tubulin folding cofactor D). Cytogenetic location: 17q25.3.
Variant type: Indel.
Coding change: c.1224-325_1253delinsA on transcript NM_005993.5 (MANE Select); 325 bases into the intron before coding-DNA position 1224 through coding-DNA position 1253, the reference bases replaced by A.
Molecular consequence: splice acceptor variant.
Genome position: GRCh38: chr17:82,814,515-82,814,869. GRCh37 (hg19): chr17:80,772,391-80,772,745.
Other names: c.1224-325_1253delinsA (NM_001411102.1); c.1173-325_1202delinsA (NM_001411101.1).
Identifiers: ClinVar variation 2745420 (VCV002745420.3), dbSNP rs2510937684, ClinGen allele CA2697555283.